The following is an entry in ClinVar:

NM_139076.3(ABRAXAS1):c.461A>G (p.Tyr154Cys)

Gene: ABRAXAS1 (abraxas 1, BRCA1 A complex subunit; minus strand). Cytogenetic location: 4q21.23.
Variant type: single nucleotide variant.
Coding change: c.461A>G on transcript NM_139076.3 (MANE Select); coding-DNA position 461, A replaced by G.
Protein change: p.Tyr154Cys; replaces tyrosine 154 with cysteine.
Molecular consequence: missense variant.
Genome position (GRCh38, 1-based): chr4:83,470,218, T>C on the plus strand (A>G on the coding strand, the complement: ABRAXAS1 is on the minus strand). VCF-style: chr4-83470218-T-C. GRCh37 (hg19) VCF-style: chr4-84391371-T-C.
Other names: c.134A>G, p.Tyr45Cys (NM_001345962.2); short protein forms Y154C, Y45C.
Identifiers: ClinVar variation 1799691 (VCV001799691.7), dbSNP rs764782835, ClinGen allele CA2990550.
Genomic context (GRCh38, chr4:83,470,218, plus strand): 5'-ATTTTTCTATTAGTTTAATACAGCCAGTGACTGGCCAACATTTACCCTTTTTGAGGTTTA[T>C]ATAAGGAATGTTCCAGTCGATGAGTAGAGCAGCTTTCTGTTATTATACTTGGTGTTAATA-3'
Protein context (NP_620775.2, residues 144-164): CSTHRLEHSL[Tyr154Cys]KPQKGLFHRV

ClinVar aggregate classification (germline): Uncertain significance. Review status: criteria provided, multiple submitters, no conflicts (2 of 4 stars). 2 submissions from 2 submitters: Uncertain significance (2). Last evaluated 2025-10-23.

Allele frequency attached by ClinVar (database versions not stated): gnomAD exomes below 0.00001; ExAC 0.00001; gnomAD 0.00001.
gnomAD v4.1: 5 of 1,612,476 alleles (0.00031%); highest among the groups gnomAD compares: Admixed American, 0.0017%; no homozygotes.

Submissions (2):

Ambry Genetics
Classification: Uncertain significance. Last evaluated: 2025-10-23. Review status: criteria provided, single submitter. Criteria: Ambry Variant Classification Scheme 2023. Collection method: clinical testing. Allele origin: germline.
Comment: The p.Y154C variant (also known as c.461A>G), located in coding exon 5 of the FAM175A gene, results from an A to G substitution at nucleotide position 461. The tyrosine at codon 154 is replaced by cysteine, an amino acid with highly dissimilar properties. This amino acid position is conserved. In addition, this alteration is predicted to be tolerated by in silico analysis. Since supporting evidence is limited at this time, the clinical significance of this alteration remains unclear.

Labcorp Genetics (formerly Invitae), Labcorp
Classification: Uncertain significance. Last evaluated: 2023-01-17. Review status: criteria provided, single submitter. Criteria: Invitae Variant Classification Sherloc (09022015). Collection method: clinical testing. Allele origin: germline.
Comment: Advanced modeling of protein sequence and biophysical properties (such as structural, functional, and spatial information, amino acid conservation, physicochemical variation, residue mobility, and thermodynamic stability) performed at Invitae indicates that this missense variant is not expected to disrupt ABRAXAS1 protein function. In summary, the available evidence is currently insufficient to determine the role of this variant in disease. Therefore, it has been classified as a Variant of Uncertain Significance. ClinVar contains an entry for this variant (Variation ID: 1799691). This variant has not been reported in the literature in individuals affected with ABRAXAS1-related conditions. This variant is present in population databases (rs764782835, gnomAD 0.006%). This sequence change replaces tyrosine, which is neutral and polar, with cysteine, which is neutral and slightly polar, at codon 154 of the ABRAXAS1 protein (p.Tyr154Cys).